The following is an entry in ClinVar:

NC_000019.10:g.(?_1222975)_(1226647_?)del

Gene: STK11 (serine/threonine kinase 11; plus strand). Cytogenetic location: 19p13.3.
Variant type: Deletion.
Identifiers: ClinVar variation 831640 (VCV000831640.7).

ClinVar aggregate classification (germline): Likely pathogenic (1 of 4 stars; one submission).

Conditions:
Peutz-Jeghers syndrome (PJS). Also called: Peutz-Jeghers polyposis; Periorificial lentiginosis syndrome; POLYPOSIS, HAMARTOMATOUS INTESTINAL; POLYPS-AND-SPOTS SYNDROME. Identifiers: Orphanet 2869, MedGen C0031269, MeSH D010580, MONDO:0008280, OMIM 175200.

Submission:

Labcorp Genetics (formerly Invitae), Labcorp
Classification: Likely pathogenic for Peutz-Jeghers syndrome. Last evaluated: 2021-05-10. Review status: criteria provided, single submitter. Criteria: Invitae Variant Classification Sherloc (09022015). Collection method: clinical testing. Allele origin: germline.
Comment: In summary, the currently available evidence indicates that the variant is pathogenic, but additional data are needed to prove that conclusively. Therefore, this variant has been classified as Likely Pathogenic. This variant disrupts the p.Trp308 amino acid residue in STK11. Other variant(s) that disrupt this residue have been determined to be pathogenic (PMID: 9837816, 24604241, 23415580). This suggests that this residue is clinically significant, and that variants that disrupt this residue are likely to be disease-causing. This variant has been observed in an individual affected with Peutz-Jeghers syndrome (PMID: 16582077). This variant is a gross deletion of the genomic region encompassing exons 8-9 of the STK11 gene. The 5' boundary is likely confined to intron 7. The 3' end of this event is unknown as it extends through the termination codon beyond the assayed region for this gene and may encompass additional genes. While this deletion is not anticipated to result in nonsense mediated decay, it is expected to create a truncated protein product or disrupt mRNA translation.

Literature cited by the submitters: PubMed 9837816; PubMed 24604241; PubMed 23415580; PubMed 16582077.